The following is an entry in ClinVar:

ClinVar aggregate classification (germline): Likely benign (0 of 4 stars; one submission).

Conditions:
PKD1L1-related disorder. Also called: PKD1L1-related condition.

Allele frequency attached by ClinVar (database versions not stated): gnomAD 0.00001; gnomAD exomes 0.00004; ExAC 0.00014.
gnomAD v4.1: 59 of 1,613,176 alleles (0.0037%); highest among the groups gnomAD compares: Non-Finnish European, 0.004%; no homozygotes.

Submission:

PreventionGenetics, part of Exact Sciences
Classification: Likely benign for PKD1L1-related condition. Last evaluated: 2023-05-11. Review status: no assertion criteria provided. Collection method: clinical testing. Allele origin: germline.
Comment: This variant is classified as likely benign based on ACMG/AMP sequence variant interpretation guidelines (Richards et al. 2015 PMID: 25741868, with internal and published modifications).

NM_138295.5(PKD1L1):c.4125G>A (p.Arg1375=)

Gene: PKD1L1 (polycystin 1 like 1, transient receptor potential channel interacting; minus strand). Cytogenetic location: 7p12.3.
Variant type: single nucleotide variant.
Coding change: c.4125G>A on transcript NM_138295.5 (MANE Select); coding-DNA position 4125, G replaced by A.
Protein change: p.Arg1375=; no amino-acid change (arginine 1375 retained).
Molecular consequence: synonymous variant.
Genome position (GRCh38, 1-based): chr7:47,865,240, C>T on the plus strand (G>A on the coding strand, the complement: PKD1L1 is on the minus strand). VCF-style: chr7-47865240-C-T. GRCh37 (hg19) VCF-style: chr7-47904838-C-T.
Identifiers: ClinVar variation 3054490 (VCV003054490.2), dbSNP rs770150355, ClinGen allele CA4253205.